The following is an entry in ClinVar:

ClinVar aggregate classification (germline): Uncertain significance (1 of 4 stars; one submission).

Conditions:
Combined oxidative phosphorylation defect type 27. Also called: Combined oxidative phosphorylation deficiency 27. Identifiers: Orphanet 477774, MedGen C5567608, MONDO:0014728, OMIM 616672.

gnomAD v4.1: 3 of 1,557,904 alleles (0.00019%); highest among the groups gnomAD compares: Admixed American, 0.0019%; no homozygotes.

Submission:

Labcorp Genetics (formerly Invitae), Labcorp
Classification: Uncertain significance for Combined oxidative phosphorylation defect type 27. Last evaluated: 2022-07-19. Review status: criteria provided, single submitter. Criteria: Invitae Variant Classification Sherloc (09022015). Collection method: clinical testing. Allele origin: germline.
Comment: This variant has not been reported in the literature in individuals affected with CARS2-related conditions. This variant is present in population databases (no rsID available, gnomAD 0.004%). This sequence change replaces glutamic acid, which is acidic and polar, with lysine, which is basic and polar, at codon 524 of the CARS2 protein (p.Glu524Lys). ClinVar contains an entry for this variant (Variation ID: 1369758). In summary, the available evidence is currently insufficient to determine the role of this variant in disease. Therefore, it has been classified as a Variant of Uncertain Significance. Algorithms developed to predict the effect of missense changes on protein structure and function (SIFT, PolyPhen-2, Align-GVGD) all suggest that this variant is likely to be tolerated.

NM_024537.4(CARS2):c.1570G>A (p.Glu524Lys)

Gene: CARS2 (cysteinyl-tRNA synthetase 2, mitochondrial; minus strand). Cytogenetic location: 13q34.
Variant type: single nucleotide variant.
Coding change: c.1570G>A on transcript NM_024537.4 (MANE Select); coding-DNA position 1570, G replaced by A.
Protein change: p.Glu524Lys; replaces glutamic acid 524 with lysine.
Molecular consequence: missense variant. On other transcripts: non-coding transcript variant (2).
Genome position (GRCh38, 1-based): chr13:110,642,368, C>T on the plus strand (G>A on the coding strand, the complement: CARS2 is on the minus strand). VCF-style: chr13-110642368-C-T. GRCh37 (hg19) VCF-style: chr13-111294715-C-T.
Other names: c.784G>A, p.Glu262Lys (NM_001352252.2); short protein forms E262K, E524K.
Identifiers: ClinVar variation 1369758 (VCV001369758.6), dbSNP rs1214379430, ClinGen allele CA388740179.